The following is an entry in ClinVar:

ClinVar aggregate classification (germline): Likely benign (0 of 4 stars; one submission).

Conditions:
CPLANE1-related disorder. Also called: CPLANE1-related condition.

Allele frequency attached by ClinVar (database versions not stated): gnomAD 0.00013; TOPMed 0.00013; gnomAD exomes 0.00019; 1000 Genomes Project 0.00020; 1000 Genomes Project 30x 0.00031.
gnomAD v4.1: 274 of 1,482,014 alleles (0.018%); highest among the groups gnomAD compares: Middle Eastern, 0.28%; 2 homozygotes.

Submission:

PreventionGenetics, part of Exact Sciences
Classification: Likely benign for CPLANE1-related condition. Last evaluated: 2023-12-05. Review status: no assertion criteria provided. Collection method: clinical testing. Allele origin: germline.
Comment: This variant is classified as likely benign based on ACMG/AMP sequence variant interpretation guidelines (Richards et al. 2015 PMID: 25741868, with internal and published modifications).

NM_001384732.1(CPLANE1):c.1372-84G>A

Gene: CPLANE1 (ciliogenesis and planar polarity effector complex subunit 1; minus strand). Cytogenetic location: 5p13.2.
Variant type: single nucleotide variant.
Coding change: c.1372-84G>A on transcript NM_001384732.1 (MANE Select); 84 bases into the intron before coding-DNA position 1372, G replaced by A.
Molecular consequence: intron variant.
Genome position (GRCh38, 1-based): chr5:37,227,476, C>T on the plus strand (G>A on the coding strand, the complement: CPLANE1 is on the minus strand). VCF-style: chr5-37227476-C-T. GRCh37 (hg19) VCF-style: chr5-37227578-C-T.
Other names: c.1372-84G>A (NM_023073.4).
Identifiers: ClinVar variation 3048924 (VCV003048924.2), dbSNP rs531282291, ClinGen allele CA117058254.